The following is an entry in ClinVar:

ClinVar aggregate classification (germline): Uncertain significance. Review status: criteria provided, multiple submitters, no conflicts (2 of 4 stars). 3 submissions from 3 submitters: Uncertain significance (3). Last evaluated 2025-09-26.

Conditions:
DNMT3A-related disorder. Also called: DNMT3A-related condition; DNMT3A-related disorders.
Tatton-Brown-Rahman overgrowth syndrome. Also called: Tatton-Brown-Rahman syndrome; Tall stature-intellectual disability-facial dysmorphism syndrome. Identifiers: Orphanet 404443, MedGen C4014545, MONDO:0014382, OMIM 615879.

Allele frequency attached by ClinVar (database versions not stated): gnomAD 0.00001; gnomAD exomes 0.00001; ExAC 0.00003; TOPMed below 0.00001.
gnomAD v4.1: 19 of 1,609,750 alleles (0.0012%); highest among the groups gnomAD compares: South Asian, 0.0033%; no homozygotes.

Submissions (3):

PreventionGenetics, part of Exact Sciences
Classification: Uncertain significance for DNMT3A-related condition. Last evaluated: 2025-09-26. Review status: criteria provided, single submitter. Criteria: ACMG Guidelines, 2015. Collection method: clinical testing. Allele origin: germline.
Comment: The DNMT3A c.98G>A variant is predicted to result in the amino acid substitution p.Arg33His. To our knowledge, this variant has not been reported in the literature. This variant is reported in 0.0065% of alleles in individuals of South Asian descent in gnomAD. At this time, the clinical significance of this variant is uncertain due to the absence of conclusive functional and genetic evidence.

GeneDx
Classification: Uncertain significance. Last evaluated: 2023-09-22. Review status: criteria provided, single submitter. Criteria: GeneDx Variant Classification Process June 2021. Collection method: clinical testing. Allele origin: germline. Affected: yes.
Comment: In silico analysis supports that this missense variant has a deleterious effect on protein structure/function; Has not been previously published as pathogenic or benign to our knowledge

Labcorp Genetics (formerly Invitae), Labcorp
Classification: Uncertain significance for Tatton-Brown-Rahman overgrowth syndrome. Last evaluated: 2023-09-10. Review status: criteria provided, single submitter. Criteria: Invitae Variant Classification Sherloc (09022015). Collection method: clinical testing. Allele origin: germline.
Comment: ClinVar contains an entry for this variant (Variation ID: 1441370). An algorithm developed to predict the effect of missense changes on protein structure and function (PolyPhen-2) suggests that this variant is likely to be tolerated. In summary, the available evidence is currently insufficient to determine the role of this variant in disease. Therefore, it has been classified as a Variant of Uncertain Significance. This variant has not been reported in the literature in individuals affected with DNMT3A-related conditions. This sequence change replaces arginine, which is basic and polar, with histidine, which is basic and polar, at codon 33 of the DNMT3A protein (p.Arg33His). This variant is present in population databases (rs746009417, gnomAD 0.007%).

NM_022552.5(DNMT3A):c.98G>A (p.Arg33His)

Gene: DNMT3A (DNA methyltransferase 3 alpha; minus strand). Cytogenetic location: 2p23.3.
Variant type: single nucleotide variant.
Coding change: c.98G>A on transcript NM_022552.5 (MANE Select); coding-DNA position 98, G replaced by A.
Protein change: p.Arg33His; replaces arginine 33 with histidine.
Molecular consequence: missense variant. On other transcripts: non-coding transcript variant (1).
Genome position (GRCh38, 1-based): chr2:25,300,218, C>T on the plus strand (G>A on the coding strand, the complement: DNMT3A is on the minus strand). VCF-style: chr2-25300218-C-T. GRCh37 (hg19) VCF-style: chr2-25523087-C-T.
Other names: c.98G>A, p.Arg33His (NM_001320892.2, NM_175629.2, NM_175630.1); short protein forms R33H.
Identifiers: ClinVar variation 1441370 (VCV001441370.10), dbSNP rs746009417, ClinGen allele CA1556550.